The following is an entry in ClinVar:

NM_000214.3(JAG1):c.396T>A (p.Tyr132Ter)

Gene: JAG1 (jagged canonical Notch ligand 1; minus strand). Cytogenetic location: 20p12.2.
Variant type: single nucleotide variant.
Coding change: c.396T>A on transcript NM_000214.3 (MANE Select); coding-DNA position 396, T replaced by A.
Protein change: p.Tyr132Ter; replaces tyrosine 132 with a stop codon.
Molecular consequence: nonsense.
Genome position (GRCh38, 1-based): chr20:10,664,006, A>T on the plus strand (T>A on the coding strand, the complement: JAG1 is on the minus strand). VCF-style: chr20-10664006-A-T. GRCh37 (hg19) VCF-style: chr20-10644654-A-T.
Other names: short protein forms Y132*.
Identifiers: ClinVar variation 3377296 (VCV003377296.1).

ClinVar aggregate classification (germline): Pathogenic (1 of 4 stars; one submission).

Conditions:
Alagille syndrome due to a JAG1 point mutation. Also called: HEPATIC DUCTULAR HYPOPLASIA, SYNDROMATIC; Alagille Syndrome 1; JAG1-Related Alagille Syndrome. Identifiers: Orphanet 261619, Orphanet 52, MedGen C1956125, MONDO:0016862, OMIM 118450.

Submission:

Victorian Clinical Genetics Services, Murdoch Childrens Research Institute
Classification: Pathogenic for Alagille syndrome due to a JAG1 point mutation. Last evaluated: 2024-10-10. Review status: criteria provided, single submitter. Criteria: ACMG Guidelines, 2015. Collection method: clinical testing. Allele origin: germline. Inheritance: Autosomal dominant inheritance. Affected: yes.
Comment: Based on the classification scheme VCGS_Germline_v1.3.5, this variant is classified as Pathogenic. Following criteria are met: 0102 - Loss of function is a known mechanism of disease in this gene and is associated with Alagille syndrome 1 (MIM#118450) and tetralogy of fallot (MIM#187500). The mechanism for Charcot-Marie-Tooth disease, axonal, type 2HH (MIM#619574) is not clearly established; however, loss of function is suggested (PMID: 32065591). (I) 0107 - This gene is associated with autosomal dominant disease. (I) 0112 - The condition associated with this gene has incomplete penetrance (OMIM). (I) 0115 - Variants in this gene are known to have variable expressivity. Interfamilial and intrafamilial variability have been observed (OMIM). (I) 0201 - Variant is predicted to cause nonsense-mediated decay (NMD) and loss of protein (premature termination codon is located at least 54 nucleotides upstream of the final exon-exon junction). (SP) 0251 - This variant is heterozygous. (I) 0301 - Variant is absent from gnomAD (v2, v3 and v4). (SP) 0701 - Other NMD-predicted variants comparable to the one identified in this case have very strong previous evidence for pathogenicity (DECIPHER). (SP) 0807 - This variant has no previous evidence of pathogenicity. (I) 0905 - No published segregation evidence has been identified for this variant. (I) 1007 - No published functional evidence has been identified for this variant. (I) 1208 - Inheritance information for this variant is not currently available in this individual. (I) Legend: (SP) - Supporting pathogenic, (I) - Information, (SB) - Supporting benign

Literature cited by the submitters: PubMed 32065591.